The following is an entry in ClinVar:

NM_003172.4(SURF1):c.845_846del (p.Ser282fs)

Gene: SURF1 (SURF1 cytochrome c oxidase assembly factor; minus strand). Cytogenetic location: 9q34.2.
Variant type: Microsatellite.
Coding change: c.845_846del on transcript NM_003172.4 (MANE Select); coding-DNA positions 845 to 846, 2 bases deleted (CT; older notation c.845_846delCT).
Protein change: p.Ser282fs; shifts the reading frame from serine 282.
Molecular consequence: frameshift variant.
Genome position (GRCh38, 1-based): chr9:133,351,970-133,351,971, AG deleted on the plus strand (CT on the coding strand, the reverse complement: SURF1 is on the minus strand); deleting any 2 consecutive bases within chr9:133,351,970-133,351,975 gives the same sequence; the c. name uses the placement nearest the transcript's 3' end. VCF-style (leftmost placement, unchanged base first): chr9-133351969-CAG-C. GRCh37 (hg19) VCF-style: chr9-136218824-CAG-C.
Other names: c.845_846delCT (NM_003172.4); c.845_846del (NM_003172.3); c.518_519del, p.Ser173fs (NM_001280787.1); short protein forms S282fs, S173fs.
Identifiers: ClinVar variation 12770 (VCV000012770.83), dbSNP rs782316919, ClinGen allele CA212943.
Genomic context (GRCh38, chr9:133,351,969, plus strand): 5'-TCTGTCACACACCAGGTGTCCCACGTAGGAATTTCTTAAACCACAGGTAGGATGTAGCTG[CAG>C]AGAGTCCATACCTAGGGGTTGAAAGCAAGCCAGCATTAGCAGGCTGCTAGGCTGAAGGGG-3'

ClinVar aggregate classification (germline): Pathogenic. Review status: criteria provided, multiple submitters, no conflicts (2 of 4 stars). 22 submissions from 20 submitters: Pathogenic (20). 2 of the submissions do not count toward it. Last evaluated 2026-06-01.

Conditions:
SURF1-related disorder. Also called: SURF1-related condition.
Mitochondrial complex IV deficiency, nuclear type 1 (MC4DN1). Also called: COX DEFICIENCY; Complex 4 mitochondrial respiratory chain deficiency; Deficiency of mitochondrial respiratory chain complex4; Complex IV deficiency; Mitochondrial complex IV deficiency. Identifiers: MedGen C5435656, MONDO:0700250, OMIM 220110. Disease mechanism: loss of function.
Charcot-Marie-Tooth disease type 4K. Also called: CHARCOT-MARIE-TOOTH DISEASE, DEMYELINATING, TYPE 4K; CHARCOT-MARIE-TOOTH DISEASE, DEMYELINATING, AUTOSOMAL RECESSIVE, TYPE 4K; CHARCOT-MARIE-TOOTH NEUROPATHY, DEMYELINATING, AUTOSOMAL RECESSIVE, TYPE 4K. Identifiers: Orphanet 391351, MedGen C4225246, MONDO:0014733, OMIM 616684.
Leigh syndrome due to mitochondrial complex IV deficiency. Also called: Leigh syndrome due to COX IV deficiency. Identifiers: MedGen C1850599.
Inborn genetic diseases. Identifiers: MedGen C0950123, MeSH D030342.
Abnormal pyramidal sign. Also called: Abnormal pyramidal signs. Identifiers: MedGen C0234132, HP:0007256.
Dysarthria. Identifiers: MedGen C0013362, HP:0001260.
Muscle weakness. Identifiers: MedGen C0151786, HP:0001324.
Cerebellar ataxia. Identifiers: Orphanet 102002, MedGen C0007758, MONDO:0000437.
Leigh syndrome (NULS). Also called: Leigh's syndrome; Necrotizing encephalopathy infantile subacute of Leigh; Leigh's necrotizing encephalopathy; Leigh's disease; Leigh Disease; Subacute necrotizing encephalopathy. Identifiers: Orphanet 506, MedGen C2931891, MONDO:0009723, OMIM 256000.

Submissions 1 to 13 of 22:

CeGaT Center for Human Genetics Tuebingen
Classification: Pathogenic. Last evaluated: 2026-06-01. Review status: criteria provided, single submitter. Criteria: CeGaT Center For Human Genetics Tuebingen Variant Classification Criteria Version 2. Collection method: clinical testing. Allele origin: germline. Affected: yes. Observed: 7 variant alleles.
Comment: SURF1: PM3:Very Strong, PM2, PVS1:Moderate

Labcorp Genetics (formerly Invitae), Labcorp
Classification: Pathogenic for Leigh syndrome. Last evaluated: 2026-01-25. Review status: criteria provided, single submitter. Criteria: Invitae Variant Classification Sherloc (09022015). Collection method: clinical testing. Allele origin: germline.
Comment: This sequence change creates a premature translational stop signal (p.Ser282Cysfs*9) in the SURF1 gene. While this is not anticipated to result in nonsense mediated decay, it is expected to disrupt the last 19 amino acid(s) of the SURF1 protein. This variant is present in population databases (rs782316919, gnomAD 0.02%). This premature translational stop signal has been observed in individuals with autosomal recessive Leigh disease (PMID: 9837813, 16326995, 18583168, 22488715, 23829769). ClinVar contains an entry for this variant (Variation ID: 12770). For these reasons, this variant has been classified as Pathogenic.

3billion
Classification: Pathogenic for Mitochondrial complex IV deficiency, nuclear type 1. Last evaluated: 2025-12-10. Review status: criteria provided, single submitter. Criteria: ACMG Guidelines, 2015. Collection method: clinical testing. Allele origin: germline. Affected: yes.
Comment: The variant is observed at an extremely low frequency in the gnomAD v4.1.0 dataset (total allele frequency: 0.009%). Predicted Consequence/Location: Frameshift: predicted to result in a loss or disruption of normal protein function through protein truncation. The predicted truncated protein may be shortened by less than 10%. The variant has been reported to be in trans with a pathogenic variant as either compound heterozygous or homozygous in at least 2 similarly affected unrelated individuals (PMID: 22488715). The variant has been reported to co-segregate with the disease in at least one similarly affected relative/individual in the same family or similarly affected unrelated families (PMID: 22488715). The variant has been reported at least twice as pathogenic with clinical assertions and evidence for the classification (ClinVar ID: VCV000012770 /PMID: 9837813 /3billion dataset). Therefore, this variant is classified as Pathogenic according to the recommendation of ACMG/AMP guideline.

Institute of Human Genetics, University of Leipzig Medical Center
Classification: Pathogenic for Mitochondrial complex IV deficiency, nuclear type 1. Last evaluated: 2025-06-02. Review status: criteria provided, single submitter. Criteria: ACMG Guidelines, 2015. Collection method: clinical testing. Allele origin: maternal. Inheritance: Autosomal recessive inheritance. Affected: yes.
Comment: Criteria applied: PM3_VSTR,PVS1_MOD

Blueprint Genetics
Classification: Pathogenic for SURF1-related disorders. Last evaluated: 2024-11-13. Review status: criteria provided, single submitter. Criteria: ACMG Guidelines, 2015. Collection method: clinical testing. Allele origin: germline. Affected: yes. Observed: 5 variant alleles.

Genomic Medicine Center of Excellence, King Faisal Specialist Hospital and Research Centre
Classification: Pathogenic for Mitochondrial complex IV deficiency, nuclear type 1. Last evaluated: 2024-09-22. Review status: criteria provided, single submitter. Criteria: ACMG Guidelines, 2015. Collection method: clinical testing. Allele origin: germline.

Fulgent Genetics
Classification: Pathogenic for Mitochondrial complex IV deficiency, nuclear type 1; Charcot-Marie-Tooth disease type 4K. Last evaluated: 2024-05-19. Review status: criteria provided, single submitter. Criteria: ACMG Guidelines, 2015. Collection method: clinical testing. Allele origin: germline.

Institute of Human Genetics Munich, TUM University Hospital
Classification: Pathogenic for Mitochondrial complex IV deficiency, nuclear type 1. Last evaluated: 2023-12-20. Review status: criteria provided, single submitter. Criteria: Classification criteria August 2017. Collection method: clinical testing. Allele origin: maternal. Inheritance: Autosomal recessive inheritance. Affected: yes. Observed: 1 variant allele.

Department of Pathology and Laboratory Medicine, Sinai Health System
Classification: Pathogenic for Mitochondrial complex IV deficiency, nuclear type 1; Charcot-Marie-Tooth disease type 4K. Last evaluated: 2023-04-04. Review status: criteria provided, single submitter. Criteria: ACMG Guidelines, 2015. Collection method: research. Allele origin: germline.

GeneDx
Classification: Pathogenic. Last evaluated: 2023-01-05. Review status: criteria provided, single submitter. Criteria: GeneDx Variant Classification Process June 2021. Collection method: clinical testing. Allele origin: germline. Affected: yes.
Comment: Frameshift variant predicted to result in protein truncation, as the last 19 amino acids are replaced with 8 different amino acids, and other loss-of-function variants have been reported downstream in the Human Gene Mutation Database (HGMD); Not observed at a significant frequency in large population cohorts (gnomAD); This variant is associated with the following publications: (PMID: 32020600, 23829769, 22488715, 29715184, 23408181, 16326995, 11317352, 26077850, 9837813, 18583168, 19780766, 31589614, 32709422, 34691145, 34490615)

Ambry Genetics
Classification: Pathogenic for Inborn genetic diseases. Last evaluated: 2022-09-14. Review status: criteria provided, single submitter. Criteria: Ambry Variant Classification Scheme 2023. Collection method: clinical testing. Allele origin: germline.
Comment: The c.845_846delCT (p.S282Cfs*9) alteration, located in exon 9 (coding exon 9) of the SURF1 gene, consists of a deletion of 2 nucleotides from position 845 to 846, causing a translational frameshift with a predicted alternate stop codon after 9 amino acids. This alteration occurs at the 3' terminus of the SURF1 gene, is not expected to trigger nonsense-mediated mRNA decay, and only impacts the last 6% of the protein. However, premature stop codons are typically deleterious in nature (Ambry internal data). Based on data from gnomAD, the c.845_846delCT allele has an overall frequency of 0.010% (27/281946) total alleles studied. The highest observed frequency was 0.015% (19/128694) of European (non-Finnish) alleles. The c.845_856delCT deletion has been previously reported in multiple individuals with Leigh syndrome (Piekutowska-Abramczuk, 2009; Tiranti, 1998). Based on the available evidence, this alteration is classified as pathogenic.

Laboratorio de Genetica e Diagnostico Molecular, Hospital Israelita Albert Einstein
Classification: Pathogenic. Last evaluated: 2020-11-16. Review status: criteria provided, single submitter. Criteria: ACMG Guidelines, 2015. Collection method: clinical testing. Allele origin: germline. Affected: yes.
Comment: ACMG classification criteria: PVS1, PS4, PM3, PP1

Institute of Medical Genetics and Applied Genomics, University Hospital Tübingen
Classification: Pathogenic. Last evaluated: 2020-10-23. Review status: criteria provided, single submitter. Criteria: ACMG Guidelines, 2015. Collection method: clinical testing. Allele origin: germline. Inheritance: Autosomal recessive inheritance. Affected: yes.